The following is an entry in ClinVar:

NM_000258.3(MYL3):c.349A>C (p.Met117Leu)

Gene: MYL3 (myosin light chain 3; minus strand). Cytogenetic location: 3p21.31.
Variant type: single nucleotide variant.
Coding change: c.349A>C on transcript NM_000258.3 (MANE Select); coding-DNA position 349, A replaced by C.
Protein change: p.Met117Leu; replaces methionine 117 with leucine.
Molecular consequence: missense variant.
Genome position (GRCh38, 1-based): chr3:46,859,607, T>G on the plus strand (A>C on the coding strand, the complement: MYL3 is on the minus strand). VCF-style: chr3-46859607-T-G. GRCh37 (hg19) VCF-style: chr3-46901097-T-G.
Other names: c.349A>C, p.Met117Leu (NM_001406937.1, NM_001406938.1, NM_001406939.1); c.175A>C, p.Met59Leu (NM_001406940.1, NM_001406941.1); short protein forms M117L, M59L.
Identifiers: ClinVar variation 2629895 (VCV002629895.2), dbSNP rs1701968895, ClinGen allele CA352496581.

ClinVar aggregate classification (germline): Uncertain significance. Review status: criteria provided, multiple submitters, no conflicts (2 of 4 stars). 2 submissions from 2 submitters: Uncertain significance (2). Last evaluated 2024-04-12.

Conditions:
MYL3-related disorder. Also called: MYL3-related condition.
Cardiovascular phenotype. Identifiers: MedGen CN230736.

Submissions (2):

Ambry Genetics
Classification: Uncertain significance for Cardiovascular phenotype. Last evaluated: 2024-04-12. Review status: criteria provided, single submitter. Criteria: Ambry Variant Classification Scheme 2023. Collection method: clinical testing. Allele origin: germline.
Comment: The p.M117L variant (also known as c.349A>C), located in coding exon 4 of the MYL3 gene, results from an A to C substitution at nucleotide position 349. The methionine at codon 117 is replaced by leucine, an amino acid with highly similar properties. This amino acid position is conserved. In addition, this alteration is predicted to be tolerated by in silico analysis. Based on the available evidence, the clinical significance of this variant remains unclear.

PreventionGenetics, part of Exact Sciences
Classification: Uncertain significance for MYL3-related condition. Last evaluated: 2023-01-27. Review status: criteria provided, single submitter. Criteria: ACMG Guidelines, 2015. Collection method: clinical testing. Allele origin: germline.
Comment: The MYL3 c.349A>C variant is predicted to result in the amino acid substitution p.Met117Leu. To our knowledge, this variant has not been reported in the literature or in a large population database, indicating this variant is rare. At this time, the clinical significance of this variant is uncertain due to the absence of conclusive functional and genetic evidence.